The following is an entry in ClinVar:

ClinVar aggregate classification (germline): Pathogenic (1 of 4 stars; one submission).

Submission:

GeneDx
Classification: Pathogenic. Last evaluated: 2016-03-29. Review status: criteria provided, single submitter. Criteria: GeneDx Variant Classification (06012015). Collection method: clinical testing. Allele origin: germline. Affected: yes.
Comment: The Q1185X pathogenic variant in the KAT6A gene has not been reported previously as a pathogenic variant nor as a benign variant, to our knowledge. This variant is predicted to cause loss of normal protein function either through protein truncation or nonsense-mediated mRNA decay. The Q1185X variant was not observed in approximately 6500 individuals of European and African American ancestry in the NHLBI Exome Sequencing Project, indicating it is not a common benign variant in these populations. We interpret Q1185X as a pathogenic variant.

NM_006766.5(KAT6A):c.3553C>T (p.Gln1185Ter)

Gene: KAT6A (lysine acetyltransferase 6A; minus strand). Cytogenetic location: 8p11.21.
Variant type: single nucleotide variant.
Coding change: c.3553C>T on transcript NM_006766.5 (MANE Select); coding-DNA position 3553, C replaced by T.
Protein change: p.Gln1185Ter; replaces glutamine 1185 with a stop codon.
Molecular consequence: nonsense.
Genome position (GRCh38, 1-based): chr8:41,934,667, G>A on the plus strand (C>T on the coding strand, the complement: KAT6A is on the minus strand). VCF-style: chr8-41934667-G-A. GRCh37 (hg19) VCF-style: chr8-41792185-G-A.
Other names: short protein forms Q1185*.
Identifiers: ClinVar variation 280462 (VCV000280462.2), dbSNP rs374290942, ClinGen allele CA10603057.
Genomic context (GRCh38, chr8:41,934,667, plus strand): 5'-GGATCTTGGGTTTACGTCCAGCTTTAGGAATGGAAACGATGGGCTCAATGACGCATGCTT[G>A]AGTAGAAACTGGCATGATTTCCCGACTCAACTTAAATCCTGGTTTTCGACCAGGTCTTTT-3'